The following is an entry in ClinVar:

ClinVar aggregate classification (germline): Uncertain significance. Review status: criteria provided, multiple submitters, no conflicts (2 of 4 stars). 4 submissions from 4 submitters: Uncertain significance (4). Last evaluated 2024-11-11.

Conditions:
Imerslund-Grasbeck syndrome type 1 (IGS1). Also called: Megaloblastic anemia 1, Finnish type; MEGALOBLASTIC ANEMIA, 1; Imerslund-Gräsbeck syndrome 1. Identifiers: MedGen C4016819, MONDO:0100156, OMIM 261100.
Inborn genetic diseases. Identifiers: MedGen C0950123, MeSH D030342.
Proteinuria, chronic benign. Identifiers: MedGen C5394384, MONDO:0030042, OMIM 618884.
Imerslund-Grasbeck syndrome. Also called: Megaloblastic anemia due to inborn errors of metabolism; Imerslund-Gräsbeck syndrome; ENTEROCYTE COBALAMIN MALABSORPTION; ENTEROCYTE INTRINSIC FACTOR RECEPTOR, DEFECT OF; PERNICIOUS ANEMIA, JUVENILE, DUE TO SELECTIVE INTESTINAL MALABSORPTION OF VITAMIN B12, WITH PROTEINURIA. Identifiers: Orphanet 35858, MedGen C4551825, MONDO:0009853.

Allele frequency attached by ClinVar (database versions not stated): gnomAD exomes 0.00012 and 0.00003; gnomAD 0.00006 and 0.00007; TOPMed 0.00011; ExAC 0.00012; 1000 Genomes Project 30x 0.00016; 1000 Genomes Project 0.00020.
gnomAD v4.1: 53 of 1,613,982 alleles (0.0033%); highest among the groups gnomAD compares: East Asian, 0.11%; no homozygotes.

Submissions (4):

Labcorp Genetics (formerly Invitae), Labcorp
Classification: Uncertain significance for Imerslund-Grasbeck syndrome. Last evaluated: 2024-11-11. Review status: criteria provided, single submitter. Criteria: Invitae Variant Classification Sherloc (09022015). Collection method: clinical testing. Allele origin: germline.
Comment: This sequence change replaces glycine, which is neutral and non-polar, with valine, which is neutral and non-polar, at codon 2369 of the CUBN protein (p.Gly2369Val). This variant is present in population databases (rs200593316, gnomAD 0.2%). This variant has not been reported in the literature in individuals affected with CUBN-related conditions. ClinVar contains an entry for this variant (Variation ID: 299427). Invitae Evidence Modeling of protein sequence and biophysical properties (such as structural, functional, and spatial information, amino acid conservation, physicochemical variation, residue mobility, and thermodynamic stability) indicates that this missense variant is not expected to disrupt CUBN protein function with a negative predictive value of 80%. In summary, the available evidence is currently insufficient to determine the role of this variant in disease. Therefore, it has been classified as a Variant of Uncertain Significance.

Fulgent Genetics
Classification: Uncertain significance for Imerslund-Grasbeck syndrome type 1; Proteinuria, chronic benign. Last evaluated: 2024-06-14. Review status: criteria provided, single submitter. Criteria: ACMG Guidelines, 2015. Collection method: clinical testing. Allele origin: germline.

Ambry Genetics
Classification: Uncertain significance for Inborn genetic diseases. Last evaluated: 2023-11-28. Review status: criteria provided, single submitter. Criteria: Ambry Variant Classification Scheme 2023. Collection method: clinical testing. Allele origin: germline.

Illumina Laboratory Services, Illumina
Classification: Uncertain significance for Imerslund-Grasbeck syndrome type 1. Last evaluated: 2018-01-13. Review status: criteria provided, single submitter. Criteria: ICSL Variant Classification Criteria 13 December 2019. Collection method: clinical testing. Allele origin: germline.

Literature cited by the submitters: PubMed 36891821 (cited by Ambry Genetics).

NM_001081.4(CUBN):c.7106G>T (p.Gly2369Val)

Gene: CUBN (cubilin; minus strand). Cytogenetic location: 10p13.
Variant type: single nucleotide variant.
Coding change: c.7106G>T on transcript NM_001081.4 (MANE Select); coding-DNA position 7106, G replaced by T.
Protein change: p.Gly2369Val; replaces glycine 2369 with valine.
Molecular consequence: missense variant.
Genome position (GRCh38, 1-based): chr10:16,915,925, C>A on the plus strand (G>T on the coding strand, the complement: CUBN is on the minus strand). VCF-style: chr10-16915925-C-A. GRCh37 (hg19) VCF-style: chr10-16957924-C-A.
Other names: short protein forms G2369V.
Identifiers: ClinVar variation 299427 (VCV000299427.11), dbSNP rs200593316, ClinGen allele CA5423456.
Genomic context (GRCh38, chr10:16,915,925, plus strand): 5'-CCAGAAGAATTCTGAAGGTTAAAGTCTTCAAAAGAGATGGTGAGATAGTGTCCAGAGAGC[C>A]CCTGGAGATGCCACTCACAGAATAAGTTGTCTCTGTATGGAAGTGTTGGATGTCCAATGC-3'
Protein context (NP_001072.2, residues 2359-2379): DNLFCEWHLQ[Gly2369Val]LSGHYLTISF